The following is an entry in ClinVar:

ClinVar aggregate classification (germline): Uncertain significance. Review status: criteria provided, multiple submitters, no conflicts (2 of 4 stars). 2 submissions from 2 submitters: Uncertain significance (2). Last evaluated 2024-07-22.

Conditions:
Multiple sulfatase deficiency (MSD). Also called: Multiple Sulfatase Deficiency Disease; Sulfatidosis, Juvenile, Austin Type; Mucosulfatidosis. Identifiers: Orphanet 585, MedGen C0268263, MONDO:0010088, OMIM 272200.
Inborn genetic diseases. Identifiers: MedGen C0950123, MeSH D030342.

Allele frequency attached by ClinVar (database versions not stated): gnomAD 0.00001; TOPMed 0.00002.
gnomAD v4.1: 3 of 1,570,676 alleles (0.00019%); highest among the groups gnomAD compares: Admixed American, 0.0037%; no homozygotes.

Submissions (2):

Ambry Genetics
Classification: Uncertain significance for Inborn genetic diseases. Last evaluated: 2024-07-22. Review status: criteria provided, single submitter. Criteria: Ambry Variant Classification Scheme 2023. Collection method: clinical testing. Allele origin: germline.

Labcorp Genetics (formerly Invitae), Labcorp
Classification: Uncertain significance for Multiple sulfatase deficiency. Last evaluated: 2022-10-14. Review status: criteria provided, single submitter. Criteria: Invitae Variant Classification Sherloc (09022015). Collection method: clinical testing. Allele origin: germline.
Comment: This sequence change replaces alanine, which is neutral and non-polar, with valine, which is neutral and non-polar, at codon 66 of the SUMF1 protein (p.Ala66Val). This variant is not present in population databases (gnomAD no frequency). This variant has not been reported in the literature in individuals affected with SUMF1-related conditions. Advanced modeling of protein sequence and biophysical properties (such as structural, functional, and spatial information, amino acid conservation, physicochemical variation, residue mobility, and thermodynamic stability) has been performed at Invitae for this missense variant, however the output from this modeling did not meet the statistical confidence thresholds required to predict the impact of this variant on SUMF1 protein function. In summary, the available evidence is currently insufficient to determine the role of this variant in disease. Therefore, it has been classified as a Variant of Uncertain Significance.

NM_182760.4(SUMF1):c.197C>T (p.Ala66Val)

Genes: SUMF1 (sulfatase modifying factor 1; minus strand), LOC129936056 (ATAC-STARR-seq lymphoblastoid silent region 14016; plus strand). Cytogenetic location: 3p26.1.
Variant type: single nucleotide variant.
Coding change: c.197C>T on transcript NM_182760.4 (MANE Select); coding-DNA position 197, C replaced by T.
Protein change: p.Ala66Val; replaces alanine 66 with valine.
Molecular consequence: missense variant.
Genome position (GRCh38, 1-based): chr3:4,467,049, G>A on the plus strand (C>T on the coding strand, the complement: SUMF1 is on the minus strand). VCF-style: chr3-4467049-G-A. GRCh37 (hg19) VCF-style: chr3-4508733-G-A.
Other names: c.197C>T, p.Ala66Val (NM_001164674.2, NM_001164675.2); c.197C>T (NM_182760.3); short protein forms A66V.
Identifiers: ClinVar variation 2201883 (VCV002201883.2), dbSNP rs1438279329, ClinGen allele CA351794214.